The following is an entry in ClinVar:

ClinVar aggregate classification (germline): Likely pathogenic (1 of 4 stars; one submission).

Submission:

Laboratorio de Genetica e Diagnostico Molecular, Hospital Israelita Albert Einstein
Classification: Likely pathogenic. Last evaluated: 2020-04-17. Review status: criteria provided, single submitter. Criteria: ACMG Guidelines, 2015. Collection method: clinical testing. Allele origin: germline. Affected: yes.
Comment: ACMG classification criteria: PVS1, PM2

NM_001852.4(COL9A2):c.1692_1717del (p.Gly565fs)

Gene: COL9A2 (collagen type IX alpha 2 chain; minus strand). Cytogenetic location: 1p34.2.
Variant type: Deletion.
Coding change: c.1692_1717del on transcript NM_001852.4 (MANE Select); coding-DNA positions 1692 to 1717, 26 bases deleted (TGGGTACCCAGGCAAGCAGGGCCCCC).
Protein change: p.Gly565fs; shifts the reading frame from glycine 565.
Molecular consequence: frameshift variant.
Genome position (GRCh38, 1-based): chr1:40,302,696-40,302,721, GGGGGCCCTGCTTGCCTGGGTACCCA deleted on the plus strand (TGGGTACCCAGGCAAGCAGGGCCCCC on the coding strand, the reverse complement: COL9A2 is on the minus strand); deleting any 26 consecutive bases within chr1:40,302,696-40,302,729 gives the same sequence; the c. name uses the placement nearest the transcript's 3' end. VCF-style (leftmost placement, unchanged base first): chr1-40302695-TGGGGGCCCTGCTTGCCTGGGTACCCA-T. GRCh37 (hg19) VCF-style: chr1-40768367-TGGGGGCCCTGCTTGCCTGGGTACCCA-T.
Other names: short protein forms G565fs.
Identifiers: ClinVar variation 1690858 (VCV001690858.2), dbSNP rs2124040438, ClinGen allele CA2573131900.